The following is an entry in ClinVar:

NM_017777.4(MKS1):c.499C>T (p.Gln167Ter)

Gene: MKS1 (MKS transition zone complex subunit 1; minus strand). Cytogenetic location: 17q22.
Variant type: single nucleotide variant.
Coding change: c.499C>T on transcript NM_017777.4 (MANE Select); coding-DNA position 499, C replaced by T.
Protein change: p.Gln167Ter; replaces glutamine 167 with a stop codon.
Molecular consequence: nonsense. On other transcripts: intron variant (1).
Genome position (GRCh38, 1-based): chr17:58,214,757, G>A on the plus strand (C>T on the coding strand, the complement: MKS1 is on the minus strand). VCF-style: chr17-58214757-G-A. GRCh37 (hg19) VCF-style: chr17-56292118-G-A.
Other names: c.499C>T, p.Gln167Ter (NM_001321269.2, NM_001330397.2); c.-94-370C>T (NM_001321268.2); short protein forms Q167*.
Identifiers: ClinVar variation 856309 (VCV000856309.9), dbSNP rs1215189491, ClinGen allele CA400327147.
Genomic context (GRCh38, chr17:58,214,757, plus strand): 5'-AATAAAAAGTAAAAGCTTGTCCCCCATCCCATGCCCGCACTCACATCCCTCGCCTGTCCT[G>A]CCGGCGACGCCTGACATTTGCCATTCGCTCGACCAAGAATGAAGGCACCTCGCTGGCTGC-3'

ClinVar aggregate classification (germline): Pathogenic/Likely pathogenic. Review status: criteria provided, multiple submitters, no conflicts (2 of 4 stars). 2 submissions from 2 submitters: Pathogenic (1); Likely pathogenic (1). Last evaluated 2024-04-07.

Conditions:
Meckel-Gruber syndrome. Also called: DYSENCEPHALIA SPLANCHNOCYSTICA; GRUBER SYNDROME; Dysencephalia splachnocystica. Identifiers: Orphanet 564, MedGen C0265215, MONDO:0018921.
Joubert syndrome. Also called: CEREBELLOPARENCHYMAL DISORDER IV; JOUBERT-BOLTSHAUSER SYNDROME; Familial aplasia of the vermis. Identifiers: Orphanet 475, MedGen C5979921, MONDO:0018772.
Meckel syndrome, type 1 (MKS1). Also called: MECKEL-GRUBER SYNDROME, TYPE 1. Identifiers: Orphanet 564, MedGen C3714506, MONDO:0009571, OMIM 249000.
Bardet-Biedl syndrome 13 (BBS13). Identifiers: Orphanet 110, MedGen C2673873, MONDO:0014441, OMIM 615990.
Joubert syndrome 28 (JBTS28). Identifiers: MedGen C4310705, MONDO:0014928, OMIM 617121.

Submissions (2):

Fulgent Genetics
Classification: Likely pathogenic for Meckel syndrome, type 1; Bardet-Biedl syndrome 13; Joubert syndrome 28. Last evaluated: 2024-04-07. Review status: criteria provided, single submitter. Criteria: ACMG Guidelines, 2015. Collection method: clinical testing. Allele origin: germline.

Labcorp Genetics (formerly Invitae), Labcorp
Classification: Pathogenic for Joubert syndrome; Meckel-Gruber syndrome. Last evaluated: 2022-05-25. Review status: criteria provided, single submitter. Criteria: Invitae Variant Classification Sherloc (09022015). Collection method: clinical testing. Allele origin: germline.
Comment: This variant is not present in population databases (gnomAD no frequency). This sequence change creates a premature translational stop signal (p.Gln167*) in the MKS1 gene. It is expected to result in an absent or disrupted protein product. Loss-of-function variants in MKS1 are known to be pathogenic (PMID: 19466712, 24886560, 26490104). ClinVar contains an entry for this variant (Variation ID: 856309). For these reasons, this variant has been classified as Pathogenic. This variant has not been reported in the literature in individuals affected with MKS1-related conditions.

Literature cited by the submitters: PubMed 19466712 (cited by Labcorp Genetics (formerly Invitae), Labcorp); PubMed 24886560 (cited by Labcorp Genetics (formerly Invitae), Labcorp); PubMed 26490104 (cited by Labcorp Genetics (formerly Invitae), Labcorp).